The following is an entry in ClinVar:

NM_001134831.2(AHI1):c.3433A>G (p.Ile1145Val)

Gene: AHI1 (Abelson helper integration site 1; minus strand). Cytogenetic location: 6q23.3.
Variant type: single nucleotide variant.
Coding change: c.3433A>G on transcript NM_001134831.2 (MANE Select); coding-DNA position 3433, A replaced by G.
Protein change: p.Ile1145Val; replaces isoleucine 1145 with valine.
Molecular consequence: missense variant.
Genome position (GRCh38, 1-based): chr6:135,300,552, T>C on the plus strand (A>G on the coding strand, the complement: AHI1 is on the minus strand). VCF-style: chr6-135300552-T-C. GRCh37 (hg19) VCF-style: chr6-135621690-T-C.
Other names: c.3433A>G, p.Ile1145Val (NM_001134830.2, NM_001350503.2, NM_001350504.2 and 1 more transcripts); short protein forms I1145V.
Identifiers: ClinVar variation 1014080 (VCV001014080.8), dbSNP rs766168872, ClinGen allele CA4012001.

ClinVar aggregate classification (germline): Uncertain significance. Review status: criteria provided, multiple submitters, no conflicts (2 of 4 stars). 2 submissions from 2 submitters: Uncertain significance (2). Last evaluated 2022-10-13.

Conditions:
Joubert syndrome. Also called: Familial aplasia of the vermis; CEREBELLOPARENCHYMAL DISORDER IV; JOUBERT-BOLTSHAUSER SYNDROME. Identifiers: Orphanet 475, MedGen C5979921, MONDO:0018772.
Joubert syndrome 3 (JBTS3). Also called: AHI1-related Ciliopathy. Identifiers: Orphanet 220493, MedGen C1837713, MONDO:0012078, OMIM 608629.

Allele frequency attached by ClinVar (database versions not stated): gnomAD exomes below 0.00001 and 0.00002; ExAC 0.00001; gnomAD 0.00001; TOPMed 0.00001.
gnomAD v4.1: 35 of 1,606,294 alleles (0.0022%); highest among the groups gnomAD compares: African/African-American, 0.0027%; no homozygotes.

Submissions (2):

Labcorp Genetics (formerly Invitae), Labcorp
Classification: Uncertain significance for Joubert syndrome. Last evaluated: 2022-10-13. Review status: criteria provided, single submitter. Criteria: Invitae Variant Classification Sherloc (09022015). Collection method: clinical testing. Allele origin: germline.
Comment: This sequence change replaces isoleucine, which is neutral and non-polar, with valine, which is neutral and non-polar, at codon 1145 of the AHI1 protein (p.Ile1145Val). The frequency data for this variant in the population databases is considered unreliable, as metrics indicate poor data quality at this position in the gnomAD database. This variant has not been reported in the literature in individuals affected with AHI1-related conditions. ClinVar contains an entry for this variant (Variation ID: 1014080). Advanced modeling of protein sequence and biophysical properties (such as structural, functional, and spatial information, amino acid conservation, physicochemical variation, residue mobility, and thermodynamic stability) performed at Invitae indicates that this missense variant is not expected to disrupt AHI1 protein function. In summary, the available evidence is currently insufficient to determine the role of this variant in disease. Therefore, it has been classified as a Variant of Uncertain Significance.

Fulgent Genetics
Classification: Uncertain significance for Joubert syndrome 3. Last evaluated: 2021-09-28. Review status: criteria provided, single submitter. Criteria: ACMG Guidelines, 2015. Collection method: clinical testing. Allele origin: unknown.